The following is an entry in ClinVar:

NM_001365951.3(KIF1B):c.4100A>G (p.Asn1367Ser)

Gene: KIF1B (kinesin family member 1B; plus strand). Cytogenetic location: 1p36.22.
Variant type: single nucleotide variant.
Coding change: c.4100A>G on transcript NM_001365951.3 (MANE Select); coding-DNA position 4100, A replaced by G.
Protein change: p.Asn1367Ser; replaces asparagine 1367 with serine.
Molecular consequence: missense variant.
Genome position (GRCh38, 1-based): chr1:10,360,973, A>G. VCF-style: chr1-10360973-A-G. GRCh37 (hg19) VCF-style: chr1-10421031-A-G.
Other names: c.4100A>G, p.Asn1367Ser (NM_001365952.1); c.3962A>G, p.Asn1321Ser (NM_015074.3); short protein forms N1367S, N1321S.
Identifiers: ClinVar variation 2625697 (VCV002625697.2), dbSNP rs2521877894, ClinGen allele CA338316039.

ClinVar aggregate classification (germline): Uncertain significance (1 of 4 stars; one submission).

Submission:

Ambry Genetics
Classification: Uncertain significance. Last evaluated: 2023-06-29. Review status: criteria provided, single submitter. Criteria: Ambry Variant Classification Scheme 2023. Collection method: clinical testing. Allele origin: germline.
Comment: The p.N1321S variant (also known as c.3962A>G), located in coding exon 36 of the KIF1B gene, results from an A to G substitution at nucleotide position 3962. The asparagine at codon 1321 is replaced by serine, an amino acid with highly similar properties. This amino acid position is conserved. In addition, this alteration is predicted to be tolerated by in silico analysis. Since supporting evidence is limited at this time, the clinical significance of this alteration remains unclear.